The following is an entry in ClinVar:

NM_014377.3(DNAJC2):c.1320A>G (p.Thr440=)

Genes: DNAJC2 (DnaJ heat shock protein family (Hsp40) member C2; minus strand), PMPCB (peptidase, mitochondrial processing subunit beta; plus strand). Cytogenetic location: 7q22.1.
Variant type: single nucleotide variant.
Coding change: c.1320A>G on transcript NM_014377.3 (MANE Select); coding-DNA position 1320, A replaced by G.
Protein change: p.Thr440=; no amino-acid change (threonine 440 retained).
Molecular consequence: synonymous variant.
Genome position (GRCh38, 1-based): chr7:103,316,937, T>C on the plus strand (A>G on the coding strand, the complement: DNAJC2 is on the minus strand). VCF-style: chr7-103316937-T-C. GRCh37 (hg19) VCF-style: chr7-102957384-T-C.
Other names: c.1161A>G, p.Thr387= (NM_001129887.3); c.1098A>G, p.Thr366= (NM_001362667.2); c.882A>G, p.Thr294= (NM_001362668.2).
Identifiers: ClinVar variation 2673124 (VCV002673124.23), dbSNP rs61762984, ClinGen allele CA4418485.
Genomic context (GRCh38, chr7:103,316,937, plus strand): 5'-TTGTAGATCATCTTCTGACCAATTTTTACTTCCATTTCCACCTCCACCAGTTGATTTCTC[T>C]GTGTTCTTAGATGCTTGTCGCATACGAGCCTCAGCTTCCTCTTTCTCTTTTCTGATTTGC-3'
Protein context (NP_055192.1, residues 430-450): EARMRQASKN[Thr440=]EKSTGGGGNG

ClinVar aggregate classification (germline): Benign (1 of 4 stars; one submission).

Allele frequency attached by ClinVar (database versions not stated): 1000 Genomes Project 30x 0.00156; 1000 Genomes Project 0.00180; TOPMed 0.00505; ESP Exome Variant Server 0.00604; gnomAD 0.00718; ExAC 0.00852; gnomAD exomes 0.00950.
gnomAD v4.1: 14,831 of 1,614,034 alleles (0.92%); highest among the groups gnomAD compares: Non-Finnish European, 1%; 121 homozygotes.

Submission:

CeGaT Center for Human Genetics Tuebingen
Classification: Benign. Last evaluated: 2026-03-01. Review status: criteria provided, single submitter. Criteria: CeGaT Center For Human Genetics Tuebingen Variant Classification Criteria Version 2. Collection method: clinical testing. Allele origin: germline. Affected: yes. Observed: 10 variant alleles.
Comment: DNAJC2: BP4, BP7, BS1, BS2